The following is an entry in ClinVar:

ClinVar aggregate classification (germline): Uncertain significance (1 of 4 stars; one submission).

Submission:

Labcorp Genetics (formerly Invitae), Labcorp
Classification: Uncertain significance. Last evaluated: 2024-01-04. Review status: criteria provided, single submitter. Criteria: Invitae Variant Classification Sherloc (09022015). Collection method: clinical testing. Allele origin: germline.
Comment: This sequence change replaces glycine, which is neutral and non-polar, with arginine, which is basic and polar, at codon 285 of the HYOU1 protein (p.Gly285Arg). This variant is not present in population databases (gnomAD no frequency). This variant has not been reported in the literature in individuals affected with HYOU1-related conditions. Algorithms developed to predict the effect of missense changes on protein structure and function output the following: SIFT: "Not Available"; PolyPhen-2: "Benign"; Align-GVGD: "Not Available". The arginine amino acid residue is found in multiple mammalian species, which suggests that this missense change does not adversely affect protein function. In summary, the available evidence is currently insufficient to determine the role of this variant in disease. Therefore, it has been classified as a Variant of Uncertain Significance.

NM_006389.5(HYOU1):c.853G>C (p.Gly285Arg)

Gene: HYOU1 (hypoxia up-regulated 1; minus strand). Cytogenetic location: 11q23.3.
Variant type: single nucleotide variant.
Coding change: c.853G>C on transcript NM_006389.5 (MANE Select); coding-DNA position 853, G replaced by C.
Protein change: p.Gly285Arg; replaces glycine 285 with arginine.
Molecular consequence: missense variant.
Genome position (GRCh38, 1-based): chr11:119,052,771, C>G on the plus strand (G>C on the coding strand, the complement: HYOU1 is on the minus strand). VCF-style: chr11-119052771-C-G. GRCh37 (hg19) VCF-style: chr11-118923483-C-G.
Other names: c.853G>C, p.Gly285Arg (NM_001130991.3, NM_001411041.1); short protein forms G285R.
Identifiers: ClinVar variation 2705772 (VCV002705772.3), dbSNP rs1592149436, ClinGen allele CA382944365.